The following is an entry in ClinVar:

ClinVar aggregate classification (germline): Benign/Likely benign. Review status: criteria provided, multiple submitters, no conflicts (2 of 4 stars). 4 submissions from 4 submitters: Benign (1); Likely benign (2). 1 of the submissions does not count toward it. Last evaluated 2026-01-09.

Conditions:
X-linked Alport syndrome (ATS1). Also called: NEPHROPATHY AND DEAFNESS, X-LINKED; COL4A5-Related Nephropathy. Identifiers: Orphanet 63, Orphanet 88917, MedGen C4746986, MONDO:0010520, OMIM 301050.
COL4A5-related disorder. Also called: COL4A5-related condition.

Allele frequency attached by ClinVar (database versions not stated): gnomAD exomes 0.00014; ExAC 0.00016; 1000 Genomes Project 0.00026; TOPMed 0.00051; gnomAD 0.00061 and 0.00066; ESP Exome Variant Server 0.00076; 1000 Genomes Project 30x 0.00083.
gnomAD v4.1: 121 of 1,205,203 alleles (0.01%); highest among the groups gnomAD compares: African/African-American, 0.18%; no homozygotes.

Submissions (4):

Labcorp Genetics (formerly Invitae), Labcorp
Classification: Benign. Last evaluated: 2026-01-09. Review status: criteria provided, single submitter. Criteria: Invitae Variant Classification Sherloc (09022015). Collection method: clinical testing. Allele origin: germline.

PreventionGenetics, part of Exact Sciences
Classification: Likely benign for COL4A5-related condition. Last evaluated: 2025-08-14. Review status: criteria provided, single submitter. Criteria: ACMG Guidelines, 2015. Collection method: clinical testing. Allele origin: germline.
Comment: This variant is classified as likely benign based on ACMG/AMP sequence variant interpretation guidelines (Richards et al. 2015 PMID: 25741868, with internal and published modifications).

Blueprint Genetics
Classification: Likely benign. Last evaluated: 2024-04-16. Review status: criteria provided, single submitter. Criteria: ACMG Guidelines, 2015. Collection method: clinical testing. Allele origin: germline.

Natera, Inc.
Classification: Likely benign for X-linked Alport syndrome. Last evaluated: 2020-02-16. Review status: no assertion criteria provided. Collection method: clinical testing. Allele origin: germline. Not counted in ClinVar's aggregate classification.

NM_033380.3(COL4A5):c.834+8C>A

Gene: COL4A5 (collagen type IV alpha 5 chain; plus strand). Cytogenetic location: Xq22.3.
Variant type: single nucleotide variant.
Coding change: c.834+8C>A on transcript NM_033380.3 (MANE Select); 8 bases into the intron after coding-DNA position 834, C replaced by A.
Molecular consequence: intron variant.
Genome position (GRCh38, 1-based): chrX:108,580,594, C>A. VCF-style: chrX-108580594-C-A. GRCh37 (hg19) VCF-style: chrX-107823824-C-A.
Other names: c.834+8C>A (NM_000495.5).
Identifiers: ClinVar variation 783250 (VCV000783250.14), dbSNP rs201717817, ClinGen allele CA10488577.